The following is an entry in ClinVar:

NM_017780.4(CHD7):c.7010G>A (p.Arg2337His)

Gene: CHD7 (chromodomain helicase DNA binding protein 7; plus strand). Cytogenetic location: 8q12.2.
Variant type: single nucleotide variant.
Coding change: c.7010G>A on transcript NM_017780.4 (MANE Select); coding-DNA position 7010, G replaced by A.
Protein change: p.Arg2337His; replaces arginine 2337 with histidine.
Molecular consequence: missense variant. On other transcripts: intron variant (1).
Genome position (GRCh38, 1-based): chr8:60,856,048, G>A. VCF-style: chr8-60856048-G-A. GRCh37 (hg19) VCF-style: chr8-61768607-G-A.
Other names: c.7010G>A (NM_017780.2); c.1717-6181G>A (NM_001316690.1); short protein forms R2337H.
Identifiers: ClinVar variation 1504937 (VCV001504937.10), dbSNP rs763555514, ClinGen allele CA4760724.

ClinVar aggregate classification (germline): Conflicting classifications of pathogenicity. Review status: criteria provided, conflicting classifications (1 of 4 stars). 3 submissions from 3 submitters: Uncertain significance (2); Likely benign (1). Last evaluated 2025-12-10.

Conditions:
Hypogonadotropic hypogonadism 5 with or without anosmia (KAL5). Also called: HYPOGONADOTROPIC HYPOGONADISM 5 WITH ANOSMIA; HYPOGONADOTROPHIC HYPOGONADISM 5 WITHOUT ANOSMIA; CHD7-Related GnRH Deficiency (Kallmann Syndrome 5). Identifiers: Orphanet 478, MedGen C3552553, MONDO:0012880, OMIM 612370. Disease mechanism: loss of function.
CHARGE syndrome (CHARGE). Also called: Coloboma, heart anomaly, choanal atresia, retardation, genital and ear anomalies; CHARGE association; Hall-Hittner syndrome; Hittner Hirsch Kreh syndrome; CHARGE ASSOCIATION--COLOBOMA, HEART ANOMALY, CHOANAL ATRESIA, RETARDATION, GENITAL AND EAR ANOMALIES. Identifiers: Orphanet 138, MedGen C0265354, MONDO:0008965.

Allele frequency attached by ClinVar (database versions not stated): gnomAD 0.00001; gnomAD exomes 0.00001 and 0.00002; TOPMed 0.00001; ExAC 0.00002.
gnomAD v4.1: 14 of 1,611,350 alleles (0.00087%); highest among the groups gnomAD compares: African/African-American, 0.004%; no homozygotes.

Submissions (3):

Labcorp Genetics (formerly Invitae), Labcorp
Classification: Likely benign for CHARGE syndrome. Last evaluated: 2025-12-10. Review status: criteria provided, single submitter. Criteria: Invitae Variant Classification Sherloc (09022015). Collection method: clinical testing. Allele origin: germline.

GeneDx
Classification: Uncertain significance. Last evaluated: 2023-12-14. Review status: criteria provided, single submitter. Criteria: GeneDx Variant Classification Process June 2021. Collection method: clinical testing. Allele origin: germline. Affected: yes.
Comment: In silico analysis supports that this missense variant has a deleterious effect on protein structure/function; Missense variant in a gene in which most reported pathogenic variants are truncating/loss of function; Has not been previously published as pathogenic or benign to our knowledge

Fulgent Genetics
Classification: Uncertain significance for CHD7-related CHARGE syndrome; Hypogonadotropic hypogonadism 5 with or without anosmia. Last evaluated: 2022-02-03. Review status: criteria provided, single submitter. Criteria: ACMG Guidelines, 2015. Collection method: clinical testing. Allele origin: unknown.